The following is an entry in ClinVar:

ClinVar aggregate classification (germline): Pathogenic. Review status: criteria provided, single submitter (1 of 4 stars). 2 submissions from 1 submitter: Pathogenic (1). 1 of the submissions does not count toward it.

Conditions:
Duchenne muscular dystrophy (DMD). Also called: MUSCULAR DYSTROPHY, PSEUDOHYPERTROPHIC PROGRESSIVE, DUCHENNE TYPE; Duchenne Muscular Dystrophy (DMD). Identifiers: Orphanet 98896, MedGen C0013264, MONDO:0010679, OMIM 310200.

Submissions (2):

Hakim Medical Genetics Center Laboratory, Neyshabur University of Medical Sciences
Classification: Pathogenic for Duchenne muscular dystrophy. Review status: criteria provided, single submitter. Criteria: Ebrahimzadeh-Vesal et al. (Gene. 2018). Collection method: research. Allele origin: maternal. Inheritance: X-linked recessive inheritance. Affected: yes. Observed: 1 hemizygote.

Hakim Medical Genetics Center Laboratory, Neyshabur University of Medical Sciences
Classification: Pathogenic for MUSCULAR DYSTROPHY, DUCHENNE TYPE; DMD. Review status: flagged submission. Collection method: research. Allele origin: maternal. Inheritance: X-linked recessive inheritance. Affected: yes. Not counted in ClinVar's aggregate classification.
ClinVar note: Reason: This record appears to be redundant with a more recent record from the same submitter.
ClinVar note: Notes: SCV000845177 appears to be redundant with SCV000852020.

NM_004006.3(DMD):c.4486G>T (p.Glu1496Ter)

Gene: DMD (dystrophin; minus strand). Cytogenetic location: Xp21.1.
Variant type: single nucleotide variant.
Coding change: c.4486G>T on transcript NM_004006.3 (MANE Select); coding-DNA position 4486, G replaced by T.
Protein change: p.Glu1496Ter; replaces glutamic acid 1496 with a stop codon.
Molecular consequence: nonsense.
Genome position (GRCh38, 1-based): chrX:32,389,533, C>A on the plus strand (G>T on the coding strand, the complement: DMD is on the minus strand). VCF-style: chrX-32389533-C-A. GRCh37 (hg19) VCF-style: chrX-32407650-C-A.
Other names: c.4462G>T, p.Glu1488Ter (NM_000109.4); c.4474G>T, p.Glu1492Ter (NM_004009.3); c.4117G>T, p.Glu1373Ter (NM_004010.3); c.463G>T, p.Glu155Ter (NM_004011.4); c.454G>T, p.Glu152Ter (NM_004012.4); short protein forms E1496*, E1488*, E1373*, E152*, E155*, E1492*.
Identifiers: ClinVar variation 590902 (VCV000590902.5), dbSNP rs1569560739, ClinGen allele CA412663030.